The following is an entry in ClinVar:

ClinVar aggregate classification (germline): Pathogenic (1 of 4 stars; one submission).

Submission:

Labcorp Genetics (formerly Invitae), Labcorp
Classification: Pathogenic. Last evaluated: 2022-10-13. Review status: criteria provided, single submitter. Criteria: Invitae Variant Classification Sherloc (09022015). Collection method: clinical testing. Allele origin: germline.
Comment: For these reasons, this variant has been classified as Pathogenic. This variant has not been reported in the literature in individuals affected with SLC39A4-related conditions. This variant results in the deletion of exons 1-7 and part of exon 8 (c.-950_1347delinsCTGCTGGG) of the SLC39A4 gene. It is expected to result in an absent or disrupted protein product. Loss-of-function variants in SLC39A4 are known to be pathogenic (PMID: 12955721).

Literature cited by the submitters: PubMed 12955721.

NC_000008.10:g.(?_145639206)_(145643123_?)del

Gene: SLC39A4 (solute carrier family 39 member 4; minus strand). Cytogenetic location: 8q24.3.
Variant type: Deletion.
Identifiers: ClinVar variation 2427204 (VCV002427204.3).